The following is an entry in ClinVar:

NM_152564.5(VPS13B):c.9856C>G (p.Pro3286Ala)

Gene: VPS13B (vacuolar protein sorting 13 homolog B; plus strand). Cytogenetic location: 8q22.2.
Variant type: single nucleotide variant.
Coding change: c.9856C>G on transcript NM_152564.5 (MANE Select); coding-DNA position 9856, C replaced by G.
Protein change: p.Pro3286Ala; replaces proline 3286 with alanine.
Molecular consequence: missense variant.
Genome position (GRCh38, 1-based): chr8:99,835,652, C>G. VCF-style: chr8-99835652-C-G. GRCh37 (hg19) VCF-style: chr8-100847880-C-G.
Other names: c.9931C>G, p.Pro3311Ala (NM_017890.5); short protein forms P3286A, P3311A.
Identifiers: ClinVar variation 1970228 (VCV001970228.2), dbSNP rs1203805675, ClinGen allele CA371784402.

ClinVar aggregate classification (germline): Uncertain significance (1 of 4 stars; one submission).

Conditions:
Cohen syndrome (COH1). Also called: Cutis verticis gyrata, retinitis pigmentosa, and sensorineural deafness; PEPPER SYNDROME. Identifiers: Orphanet 193, MedGen C0265223, MONDO:0008999, OMIM 216550.

Allele frequency attached by ClinVar (database versions not stated): TOPMed below 0.00001; gnomAD 0.00001.
gnomAD v4.1: 2 of 1,614,020 alleles (0.00012%); highest among the groups gnomAD compares: East Asian, 0.0022%; no homozygotes.

Submission:

Labcorp Genetics (formerly Invitae), Labcorp
Classification: Uncertain significance for Cohen syndrome. Last evaluated: 2022-04-06. Review status: criteria provided, single submitter. Criteria: Invitae Variant Classification Sherloc (09022015). Collection method: clinical testing. Allele origin: germline.
Comment: This sequence change replaces proline, which is neutral and non-polar, with alanine, which is neutral and non-polar, at codon 3311 of the VPS13B protein (p.Pro3311Ala). This variant is present in population databases (no rsID available, gnomAD 0.003%). This variant has not been reported in the literature in individuals affected with VPS13B-related conditions. Algorithms developed to predict the effect of missense changes on protein structure and function are either unavailable or do not agree on the potential impact of this missense change (SIFT: "Not Available"; PolyPhen-2: "Possibly Damaging"; Align-GVGD: "Not Available"). In summary, the available evidence is currently insufficient to determine the role of this variant in disease. Therefore, it has been classified as a Variant of Uncertain Significance.